The following is an entry in ClinVar:

NM_016216.4(DBR1):c.858C>T (p.Leu286=)

Gene: DBR1 (debranching RNA lariats 1; minus strand). Cytogenetic location: 3q22.3.
Variant type: single nucleotide variant.
Coding change: c.858C>T on transcript NM_016216.4 (MANE Select); coding-DNA position 858, C replaced by T.
Protein change: p.Leu286=; no amino-acid change (leucine 286 retained).
Molecular consequence: synonymous variant.
Genome position (GRCh38, 1-based): chr3:138,163,432, G>A on the plus strand (C>T on the coding strand, the complement: DBR1 is on the minus strand). VCF-style: chr3-138163432-G-A. GRCh37 (hg19) VCF-style: chr3-137882274-G-A.
Identifiers: ClinVar variation 2120766 (VCV002120766.4), dbSNP rs1293721585, ClinGen allele CA435854777.

ClinVar aggregate classification (germline): Uncertain significance (1 of 4 stars; one submission).

Allele frequency attached by ClinVar (database versions not stated): gnomAD exomes below 0.00001.
gnomAD v4.1: 2 of 1,613,006 alleles (0.00012%); highest among the groups gnomAD compares: Admixed American, 0.0017%; no homozygotes.

Submission:

Labcorp Genetics (formerly Invitae), Labcorp
Classification: Uncertain significance. Last evaluated: 2024-05-08. Review status: criteria provided, single submitter. Criteria: Invitae Variant Classification Sherloc (09022015). Collection method: clinical testing. Allele origin: germline.
Comment: This sequence change affects codon 286 of the DBR1 mRNA. It is a 'silent' change, meaning that it does not change the encoded amino acid sequence of the DBR1 protein. This variant is present in population databases (no rsID available, gnomAD 0.003%). This variant has not been reported in the literature in individuals affected with DBR1-related conditions. ClinVar contains an entry for this variant (Variation ID: 2120766). Algorithms developed to predict the effect of sequence changes on RNA splicing suggest that this variant may create or strengthen a splice site. In summary, the available evidence is currently insufficient to determine the role of this variant in disease. Therefore, it has been classified as a Variant of Uncertain Significance.